The following is an entry in ClinVar:

NM_152703.5(SAMD9L):c.493C>T (p.Pro165Ser)

Gene: SAMD9L (sterile alpha motif domain containing 9 like; minus strand). Cytogenetic location: 7q21.2.
Variant type: single nucleotide variant.
Coding change: c.493C>T on transcript NM_152703.5 (MANE Select); coding-DNA position 493, C replaced by T.
Protein change: p.Pro165Ser; replaces proline 165 with serine.
Molecular consequence: missense variant.
Genome position (GRCh38, 1-based): chr7:93,135,479, G>A on the plus strand (C>T on the coding strand, the complement: SAMD9L is on the minus strand). VCF-style: chr7-93135479-G-A. GRCh37 (hg19) VCF-style: chr7-92764792-G-A.
Other names: c.493C>T (NM_152703.2); c.493C>T, p.Pro165Ser (NM_001303496.3, NM_001303497.3, NM_001303498.3 and 5 more transcripts); short protein forms P165S.
Identifiers: ClinVar variation 3662072 (VCV003662072.3).

ClinVar aggregate classification (germline): Uncertain significance. Review status: criteria provided, multiple submitters, no conflicts (2 of 4 stars). 2 submissions from 2 submitters: Uncertain significance (2). Last evaluated 2025-05-03.

Conditions:
Inborn genetic diseases. Identifiers: MedGen C0950123, MeSH D030342.

Submissions (2):

Ambry Genetics
Classification: Uncertain significance for Inborn genetic diseases. Last evaluated: 2025-05-03. Review status: criteria provided, single submitter. Criteria: Ambry Variant Classification Scheme 2023. Collection method: clinical testing. Allele origin: germline.
Comment: The p.P165S variant (also known as c.493C>T), located in coding exon 1 of the SAMD9L gene, results from a C to T substitution at nucleotide position 493. The proline at codon 165 is replaced by serine, an amino acid with similar properties. This amino acid position is conserved. In addition, this alteration is predicted to be tolerated by in silico analysis. Based on the available evidence, the clinical significance of this variant remains unclear.

Labcorp Genetics (formerly Invitae), Labcorp
Classification: Uncertain significance. Last evaluated: 2024-08-12. Review status: criteria provided, single submitter. Criteria: Invitae Variant Classification Sherloc (09022015). Collection method: clinical testing. Allele origin: germline.
Comment: This sequence change replaces proline, which is neutral and non-polar, with serine, which is neutral and polar, at codon 165 of the SAMD9L protein (p.Pro165Ser). This variant is not present in population databases (gnomAD no frequency). This variant has not been reported in the literature in individuals affected with SAMD9L-related conditions. An algorithm developed to predict the effect of missense changes on protein structure and function outputs the following: PolyPhen-2: "Benign". The serine amino acid residue is found in multiple mammalian species, which suggests that this missense change does not adversely affect protein function. In summary, the available evidence is currently insufficient to determine the role of this variant in disease. Therefore, it has been classified as a Variant of Uncertain Significance.